The following is an entry in ClinVar:

ClinVar aggregate classification (germline): Benign (1 of 4 stars; one submission).

Allele frequency attached by ClinVar (database versions not stated): 1000 Genomes Project 30x 0.83151; TOPMed 0.83637; 1000 Genomes Project 0.83646; gnomAD 0.83914 and 0.83997.
gnomAD v4.1: 127,651 of 151,896 alleles (84%); highest among the groups gnomAD compares: East Asian, 88%; 53,723 homozygotes.

Submission:

GeneDx
Classification: Benign. Last evaluated: 2018-06-14. Review status: criteria provided, single submitter. Criteria: GeneDx Variant Classification (06012015). Collection method: clinical testing. Allele origin: germline. Affected: yes.
Comment: This variant is considered likely benign or benign based on one or more of the following criteria: it is a conservative change, it occurs at a poorly conserved position in the protein, it is predicted to be benign by multiple in silico algorithms, and/or has population frequency not consistent with disease.

NM_006073.4(TRDN):c.611-321A>G

Gene: TRDN (triadin; minus strand). Cytogenetic location: 6q22.31.
Variant type: single nucleotide variant.
Coding change: c.611-321A>G on transcript NM_006073.4 (MANE Select); 321 bases into the intron before coding-DNA position 611, A replaced by G.
Molecular consequence: intron variant.
Genome position (GRCh38, 1-based): chr6:123,504,222, T>C on the plus strand (A>G on the coding strand, the complement: TRDN is on the minus strand). VCF-style: chr6-123504222-T-C. GRCh37 (hg19) VCF-style: chr6-123825367-T-C.
Other names: c.611-321A>G (NM_001251987.2, NM_001256020.2, NM_001256021.2).
Identifiers: ClinVar variation 680813 (VCV000680813.1), dbSNP rs7746262, ClinGen allele CA147287406.
Genomic context (GRCh38, chr6:123,504,222, plus strand): 5'-TGTACATGAAAACACTATTTTTTAAGGCAATAGTAACTTAGCATGTCAACAAGGAGGCAT[T>C]TGTAGCATGCAGGGGATGGATGTACAGGAATTTCTGTGAAAGACAATTTCCATACCAAAC-3'